The following is an entry in ClinVar:

NM_006206.6(PDGFRA):c.916A>G (p.Thr306Ala)

Gene: PDGFRA (platelet derived growth factor receptor alpha; plus strand). Cytogenetic location: 4q12.
Variant type: single nucleotide variant.
Coding change: c.916A>G on transcript NM_006206.6 (MANE Select); coding-DNA position 916, A replaced by G.
Protein change: p.Thr306Ala; replaces threonine 306 with alanine.
Molecular consequence: missense variant.
Genome position (GRCh38, 1-based): chr4:54,267,445, A>G. VCF-style: chr4-54267445-A-G. GRCh37 (hg19) VCF-style: chr4-55133612-A-G.
Other names: c.916A>G, p.Thr306Ala (NM_001347827.2, NM_001347829.2); c.991A>G, p.Thr331Ala (NM_001347828.2); c.955A>G, p.Thr319Ala (NM_001347830.2); short protein forms T306A, T319A, T331A.
Identifiers: ClinVar variation 567433 (VCV000567433.11), dbSNP rs1408714732, ClinGen allele CA356891384.

ClinVar aggregate classification (germline): Uncertain significance. Review status: criteria provided, multiple submitters, no conflicts (2 of 4 stars). 3 submissions from 3 submitters: Uncertain significance (3). Last evaluated 2024-05-21.

Conditions:
Polyps, multiple and recurrent inflammatory fibroid, gastrointestinal. Identifiers: MedGen C5193005, MONDO:0008285, OMIM 175510.
Hereditary cancer-predisposing syndrome. Also called: Hereditary neoplastic syndrome; Neoplastic Syndromes, Hereditary; Hereditary Cancer Syndrome; Tumor predisposition. Identifiers: Orphanet 140162, MedGen C0027672, MeSH D009386, MONDO:0015356.
Gastrointestinal stromal tumor. Also called: Gastrointestinal stromal tumor, somatic; Gastrointestinal stroma tumor. Identifiers: Orphanet 44890, MedGen C0238198, MeSH D046152, MONDO:0011719, OMIM 606764, HP:0100723.

Allele frequency attached by ClinVar (database versions not stated): gnomAD exomes below 0.00001; TOPMed below 0.00001; gnomAD 0.00001.
gnomAD v4.1: 2 of 1,614,028 alleles (0.00012%); highest among the groups gnomAD compares: Admixed American, 0.0033%; no homozygotes.

Submissions (3):

Labcorp Genetics (formerly Invitae), Labcorp
Classification: Uncertain significance for Gastrointestinal stromal tumor. Last evaluated: 2024-05-21. Review status: criteria provided, single submitter. Criteria: Invitae Variant Classification Sherloc (09022015). Collection method: clinical testing. Allele origin: germline.
Comment: This sequence change replaces threonine, which is neutral and polar, with alanine, which is neutral and non-polar, at codon 306 of the PDGFRA protein (p.Thr306Ala). This variant is present in population databases (no rsID available, gnomAD 0.003%). This variant has not been reported in the literature in individuals affected with PDGFRA-related conditions. ClinVar contains an entry for this variant (Variation ID: 567433). Advanced modeling of protein sequence and biophysical properties (such as structural, functional, and spatial information, amino acid conservation, physicochemical variation, residue mobility, and thermodynamic stability) performed at Invitae indicates that this missense variant is not expected to disrupt PDGFRA protein function with a negative predictive value of 80%. In summary, the available evidence is currently insufficient to determine the role of this variant in disease. Therefore, it has been classified as a Variant of Uncertain Significance.

Ambry Genetics
Classification: Uncertain significance for Hereditary cancer-predisposing syndrome. Last evaluated: 2024-04-01. Review status: criteria provided, single submitter. Criteria: Ambry Variant Classification Scheme 2023. Collection method: clinical testing. Allele origin: germline.
Comment: The p.T306A variant (also known as c.916A>G), located in coding exon 5 of the PDGFRA gene, results from an A to G substitution at nucleotide position 916. The threonine at codon 306 is replaced by alanine, an amino acid with similar properties. This amino acid position is conserved. In addition, this alteration is predicted to be tolerated by in silico analysis. Since supporting evidence is limited at this time, the clinical significance of this alteration remains unclear.

Baylor Genetics
Classification: Uncertain significance for Polyps, multiple and recurrent inflammatory fibroid, gastrointestinal. Last evaluated: 2023-11-21. Review status: criteria provided, single submitter. Criteria: ACMG Guidelines, 2015. Collection method: clinical testing. Allele origin: unknown.